The following is an entry in ClinVar:

ClinVar aggregate classification (germline): Uncertain significance. Review status: criteria provided, multiple submitters, no conflicts (2 of 4 stars). 2 submissions from 2 submitters: Uncertain significance (2). Last evaluated 2023-08-27.

Conditions:
Inborn genetic diseases. Identifiers: MedGen C0950123, MeSH D030342.

Allele frequency attached by ClinVar (database versions not stated): TOPMed 0.00004; ExAC 0.00005; gnomAD 0.00006; gnomAD exomes 0.00010.
gnomAD v4.1: 153 of 1,614,040 alleles (0.0095%); highest among the groups gnomAD compares: Middle Eastern, 0.016%; no homozygotes.

Submissions (2):

Labcorp Genetics (formerly Invitae), Labcorp
Classification: Uncertain significance. Last evaluated: 2023-08-27. Review status: criteria provided, single submitter. Criteria: Invitae Variant Classification Sherloc (09022015). Collection method: clinical testing. Allele origin: germline.
Comment: In summary, the available evidence is currently insufficient to determine the role of this variant in disease. Therefore, it has been classified as a Variant of Uncertain Significance. Algorithms developed to predict the effect of missense changes on protein structure and function output the following: SIFT: "Not Available"; PolyPhen-2: "Benign"; Align-GVGD: "Not Available". The glutamine amino acid residue is found in multiple mammalian species, which suggests that this missense change does not adversely affect protein function. ClinVar contains an entry for this variant (Variation ID: 2369647). This variant has not been reported in the literature in individuals affected with ABCB6-related conditions. This variant is present in population databases (rs764611865, gnomAD 0.006%). This sequence change replaces arginine, which is basic and polar, with glutamine, which is neutral and polar, at codon 450 of the ABCB6 protein (p.Arg450Gln).

Ambry Genetics
Classification: Uncertain significance for Inborn genetic diseases. Last evaluated: 2021-09-27. Review status: criteria provided, single submitter. Criteria: Ambry Variant Classification Scheme 2023. Collection method: clinical testing. Allele origin: germline.

NM_005689.4(ABCB6):c.1349G>A (p.Arg450Gln)

Gene: ABCB6 (ATP binding cassette subfamily B member 6 (LAN blood group); minus strand). Cytogenetic location: 2q35.
Variant type: single nucleotide variant.
Coding change: c.1349G>A on transcript NM_005689.4 (MANE Select); coding-DNA position 1349, G replaced by A.
Protein change: p.Arg450Gln; replaces arginine 450 with glutamine.
Molecular consequence: missense variant.
Genome position (GRCh38, 1-based): chr2:219,214,426, C>T on the plus strand (G>A on the coding strand, the complement: ABCB6 is on the minus strand). VCF-style: chr2-219214426-C-T. GRCh37 (hg19) VCF-style: chr2-220079148-C-T.
Other names: c.1211G>A, p.Arg404Gln (NM_001349828.2); short protein forms R450Q, R404Q.
Identifiers: ClinVar variation 2369647 (VCV002369647.5), dbSNP rs764611865, ClinGen allele CA2119447.
Genomic context (GRCh38, chr2:219,214,426, plus strand): 5'-ACTGCCACCGGGCCCTCTGTTACCGTCTCGAAGTTTAGCAGAGAGTCCACTGCTCGTGCC[C>T]GGGTAGCGTTCTCCTGTGTGTTCATAGCACGACGAAACTTGGTTCTCCACTCAGTGACCA-3'
Protein context (NP_005680.1, residues 440-460): RAMNTQENAT[Arg450Gln]ARAVDSLLNF